The following is an entry in ClinVar:

NM_007052.5(NOX1):c.1066C>T (p.Arg356Ter)

Gene: NOX1 (NADPH oxidase 1; minus strand). Cytogenetic location: Xq22.1.
Variant type: single nucleotide variant.
Coding change: c.1066C>T on transcript NM_007052.5 (MANE Select); coding-DNA position 1066, C replaced by T.
Protein change: p.Arg356Ter; replaces arginine 356 with a stop codon.
Molecular consequence: nonsense.
Genome position (GRCh38, 1-based): chrX:100,850,218, G>A on the plus strand (C>T on the coding strand, the complement: NOX1 is on the minus strand). VCF-style: chrX-100850218-G-A. GRCh37 (hg19) VCF-style: chrX-100105207-G-A.
Other names: c.955C>T, p.Arg319Ter (NM_001271815.2); c.1066C>T, p.Arg356Ter (NM_013955.3); short protein forms R356*, R319*.
Identifiers: ClinVar variation 748999 (VCV000748999.27), dbSNP rs369560908, ClinGen allele CA10470527.
Genomic context (GRCh38, chrX:100,850,218, plus strand): 5'-TTGGTGAATATTGTTGTTCGAAAGCCCTTATGAGATTTTCTGTCCAGTCCCCTGCTGCTC[G>A]GATATGAATGGAGAAGAAATCTTCCTCTGGAGCAGAGGTCAAAGTAAAAGGATGCCATTC-3'

ClinVar aggregate classification (germline): Likely benign. Review status: criteria provided, multiple submitters, no conflicts (2 of 4 stars). 2 submissions from 2 submitters: Likely benign (2). Last evaluated 2022-12-01.

Allele frequency attached by ClinVar (database versions not stated): gnomAD 0.00004 and 0.00009; TOPMed 0.00005; ESP Exome Variant Server 0.00009; gnomAD exomes 0.00012 and 0.00023; ExAC 0.00020; 1000 Genomes Project 30x 0.00062; 1000 Genomes Project 0.00079.

Submissions (2):

CeGaT Center for Human Genetics Tuebingen
Classification: Likely benign. Last evaluated: 2022-12-01. Review status: criteria provided, single submitter. Criteria: CeGaT Center For Human Genetics Tuebingen Variant Classification Criteria Version 2. Collection method: clinical testing. Allele origin: germline. Affected: yes. Observed: 1 variant allele.
Comment: NOX1: BS2

Labcorp Genetics (formerly Invitae), Labcorp
Classification: Likely benign. Last evaluated: 2018-07-02. Review status: criteria provided, single submitter. Criteria: Invitae Variant Classification Sherloc (09022015). Collection method: clinical testing. Allele origin: germline.